The following is an entry in ClinVar:

ClinVar aggregate classification (germline): Uncertain significance (1 of 4 stars; one submission).

Submission:

Ambry Genetics
Classification: Uncertain significance. Last evaluated: 2023-02-24. Review status: criteria provided, single submitter. Criteria: Ambry Variant Classification Scheme 2023. Collection method: clinical testing. Allele origin: germline.
Comment: The p.S280P variant (also known as c.838T>C), located in coding exon 5 of the IDH1 gene, results from a T to C substitution at nucleotide position 838. The serine at codon 280 is replaced by proline, an amino acid with similar properties. This amino acid position is conserved. In addition, this alteration is predicted to be deleterious by in silico analysis. Since supporting evidence is limited at this time, the clinical significance of this alteration remains unclear.

NM_005896.4(IDH1):c.838T>C (p.Ser280Pro)

Gene: IDH1 (isocitrate dehydrogenase (NADP(+)) 1; minus strand). Cytogenetic location: 2q34.
Variant type: single nucleotide variant.
Coding change: c.838T>C on transcript NM_005896.4 (MANE Select); coding-DNA position 838, T replaced by C.
Protein change: p.Ser280Pro; replaces serine 280 with proline.
Molecular consequence: missense variant.
Genome position (GRCh38, 1-based): chr2:208,242,006, A>G on the plus strand (T>C on the coding strand, the complement: IDH1 is on the minus strand). VCF-style: chr2-208242006-A-G. GRCh37 (hg19) VCF-style: chr2-209106730-A-G.
Other names: c.838T>C, p.Ser280Pro (NM_001282386.1, NM_001282387.1); short protein forms S280P.
Identifiers: ClinVar variation 2453233 (VCV002453233.2), dbSNP rs2469019358, ClinGen allele CA350095920.